The following is an entry in ClinVar:

ClinVar aggregate classification (germline): Conflicting classifications of pathogenicity. Review status: criteria provided, conflicting classifications (1 of 4 stars). 7 submissions from 7 submitters: Uncertain significance (5); Likely benign (2). Last evaluated 2026-09-03.

Conditions:
MYO18B-related disorder. Also called: MYO18B-related condition.
Klippel-Feil anomaly-myopathy-facial dysmorphism syndrome. Also called: Klippel-Feil syndrome 4, autosomal recessive, with myopathy and facial dysmorphism; Klippel-feil syndrome 4, autosomal recessive, with nemaline myopathy and facial dysmorphism. Identifiers: Orphanet 447974, MedGen C4225285, MONDO:0014689, OMIM 616549.

Allele frequency attached by ClinVar (database versions not stated): gnomAD 0.00024; ExAC 0.00025; ESP Exome Variant Server 0.00025; gnomAD exomes 0.00026 and 0.00032; TOPMed 0.00029; 1000 Genomes Project 0.00060; 1000 Genomes Project 30x 0.00062.
gnomAD v4.1: 437 of 1,612,248 alleles (0.027%); highest among the groups gnomAD compares: Middle Eastern, 0.28%; 1 homozygote.

Submissions (7):

PreventionGenetics, part of Exact Sciences
Classification: Uncertain significance for MYO18B-related condition. Last evaluated: 2026-09-03. Review status: criteria provided, single submitter. Criteria: ACMG Guidelines, 2015. Collection method: clinical testing. Allele origin: germline.
Comment: The MYO18B c.95T>C variant is predicted to result in the amino acid substitution p.Val32Ala. To our knowledge, this variant has not been reported in the literature. This variant is reported in 0.11% of alleles in individuals of Latino descent in gnomAD. Although we suspect that this variant may be benign, at this time, the clinical significance of this variant is uncertain due to the absence of conclusive functional and genetic evidence.

Labcorp Genetics (formerly Invitae), Labcorp
Classification: Uncertain significance. Last evaluated: 2026-01-31. Review status: criteria provided, single submitter. Criteria: Invitae Variant Classification Sherloc (09022015). Collection method: clinical testing. Allele origin: germline.
Comment: This sequence change replaces valine, which is neutral and non-polar, with alanine, which is neutral and non-polar, at codon 32 of the MYO18B protein (p.Val32Ala). This variant is present in population databases (rs200574321, gnomAD 0.1%), including at least one homozygous and/or hemizygous individual. This variant has not been reported in the literature in individuals affected with MYO18B-related conditions. ClinVar contains an entry for this variant (Variation ID: 1162878). An algorithm developed to predict the effect of missense changes on protein structure and function (PolyPhen-2) suggests that this variant is likely to be disruptive. In summary, the available evidence is currently insufficient to determine the role of this variant in disease. Therefore, it has been classified as a Variant of Uncertain Significance.

CeGaT Center for Human Genetics Tuebingen
Classification: Uncertain significance. Last evaluated: 2025-03-01. Review status: criteria provided, single submitter. Criteria: CeGaT Center For Human Genetics Tuebingen Variant Classification Criteria Version 2. Collection method: clinical testing. Allele origin: germline. Affected: yes. Observed: 1 variant allele.
Comment: MYO18B: PP3

Blueprint Genetics
Classification: Likely benign. Last evaluated: 2024-10-07. Review status: criteria provided, single submitter. Criteria: ACMG Guidelines, 2015. Collection method: clinical testing. Allele origin: germline.

Revvity Omics, Revvity
Classification: Likely benign for Klippel-Feil anomaly-myopathy-facial dysmorphism syndrome. Last evaluated: 2024-01-16. Review status: criteria provided, single submitter. Criteria: ACMG Guidelines, 2015. Collection method: clinical testing. Allele origin: germline.

Mayo Clinic Laboratories, Mayo Clinic
Classification: Uncertain significance. Last evaluated: 2020-07-31. Review status: criteria provided, single submitter. Criteria: ACMG Guidelines, 2015. Collection method: clinical testing. Allele origin: germline. Observed: 1 variant allele.

Breakthrough Genomics
Classification: Uncertain significance. Review status: criteria provided, single submitter. Criteria: ACMG Guidelines, 2015. Collection method: not provided. Allele origin: germline. Inheritance: Autosomal dominant inheritance. Affected: yes.

NM_032608.7(MYO18B):c.95T>C (p.Val32Ala)

Gene: MYO18B (myosin XVIIIB; plus strand). Cytogenetic location: 22q12.1.
Variant type: single nucleotide variant.
Coding change: c.95T>C on transcript NM_032608.7 (MANE Select); coding-DNA position 95, T replaced by C.
Protein change: p.Val32Ala; replaces valine 32 with alanine.
Molecular consequence: missense variant.
Genome position (GRCh38, 1-based): chr22:25,763,286, T>C. VCF-style: chr22-25763286-T-C. GRCh37 (hg19) VCF-style: chr22-26159253-T-C.
Other names: c.95T>C, p.Val32Ala (NM_001318245.2); short protein forms V32A.
Identifiers: ClinVar variation 1162878 (VCV001162878.23), dbSNP rs200574321, ClinGen allele CA10159490.